The following is an entry in ClinVar:

ClinVar aggregate classification (germline): Uncertain significance. Review status: criteria provided, multiple submitters, no conflicts (2 of 4 stars). 2 submissions from 2 submitters: Uncertain significance (2). Last evaluated 2026-07-02.

Conditions:
Cardiovascular phenotype. Identifiers: MedGen CN230736.

Submissions (2):

Ambry Genetics
Classification: Uncertain significance for Cardiovascular phenotype. Last evaluated: 2026-07-02. Review status: criteria provided, single submitter. Criteria: Ambry Variant Classification Scheme 2023. Collection method: clinical testing. Allele origin: germline.
Comment: The p.E4516A variant (also known as c.13547A>C), located in coding exon 29 of the APOB gene, results from an A to C substitution at nucleotide position 13547. The glutamic acid at codon 4516 is replaced by alanine, an amino acid with dissimilar properties. This amino acid position is conserved. In addition, this alteration is predicted to be tolerated by in silico analysis. Based on the available evidence, the clinical significance of this variant remains unclear.

Quest Diagnostics Nichols Institute San Juan Capistrano
Classification: Uncertain significance. Last evaluated: 2024-08-29. Review status: criteria provided, single submitter. Criteria: Quest Diagnostics criteria. Collection method: clinical testing. Allele origin: unknown.
Comment: The APOB c.13547A>C (p.Glu4516Ala) variant has not been reported in individuals with APOB-related conditions in the published literature. It also has not been reported in large, multi-ethnic general populations (Genome Aggregation Database). Analysis of this variant using bioinformatics tools for the prediction of the effect of amino acid changes on protein structure and function yielded predictions that this variant is benign. Based on the available information, we are unable to determine the clinical significance of this variant.

NM_000384.3(APOB):c.13547A>C (p.Glu4516Ala)

Gene: APOB (apolipoprotein B; minus strand). Cytogenetic location: 2p24.1.
Variant type: single nucleotide variant.
Coding change: c.13547A>C on transcript NM_000384.3 (MANE Select); coding-DNA position 13547, A replaced by C.
Protein change: p.Glu4516Ala; replaces glutamic acid 4516 with alanine.
Molecular consequence: missense variant.
Genome position (GRCh38, 1-based): chr2:21,001,875, T>G on the plus strand (A>C on the coding strand, the complement: APOB is on the minus strand). VCF-style: chr2-21001875-T-G. GRCh37 (hg19) VCF-style: chr2-21224747-T-G.
Other names: short protein forms E4516A.
Identifiers: ClinVar variation 3572070 (VCV003572070.2).